The following is an entry in ClinVar:

ClinVar aggregate classification (germline): Uncertain significance. Review status: criteria provided, multiple submitters, no conflicts (2 of 4 stars). 2 submissions from 2 submitters: Uncertain significance (2). Last evaluated 2025-07-15.

Conditions:
Familial hemophagocytic lymphohistiocytosis 3 (FHL3). Also called: UNC13D-Related Familial Hemophagocytic Lymphohistiocytosis (UNC13D-fHLH). Identifiers: Orphanet 540, MedGen C1837174, MONDO:0012146, OMIM 608898.
Inborn genetic diseases. Identifiers: MedGen C0950123, MeSH D030342.

Allele frequency attached by ClinVar (database versions not stated): TOPMed below 0.00001; gnomAD 0.00001; gnomAD exomes 0.00001 and 0.00002; ExAC 0.00003; 1000 Genomes Project 30x 0.00016; 1000 Genomes Project 0.00020.
gnomAD v4.1: 21 of 1,613,822 alleles (0.0013%); highest among the groups gnomAD compares: South Asian, 0.019%; no homozygotes.

Submissions (2):

Ambry Genetics
Classification: Uncertain significance for Inborn genetic diseases. Last evaluated: 2025-07-15. Review status: criteria provided, single submitter. Criteria: Ambry Variant Classification Scheme 2023. Collection method: clinical testing. Allele origin: germline.

Labcorp Genetics (formerly Invitae), Labcorp
Classification: Uncertain significance for Familial hemophagocytic lymphohistiocytosis 3. Last evaluated: 2022-07-19. Review status: criteria provided, single submitter. Criteria: Invitae Variant Classification Sherloc (09022015). Collection method: clinical testing. Allele origin: germline.
Comment: This sequence change replaces aspartic acid, which is acidic and polar, with asparagine, which is neutral and polar, at codon 690 of the UNC13D protein (p.Asp690Asn). This variant is present in population databases (rs550419919, gnomAD 0.01%). This variant has not been reported in the literature in individuals affected with UNC13D-related conditions. ClinVar contains an entry for this variant (Variation ID: 1347963). Algorithms developed to predict the effect of missense changes on protein structure and function are either unavailable or do not agree on the potential impact of this missense change (SIFT: "Not Available"; PolyPhen-2: "Benign"; Align-GVGD: "Not Available"). In summary, the available evidence is currently insufficient to determine the role of this variant in disease. Therefore, it has been classified as a Variant of Uncertain Significance.

NM_199242.3(UNC13D):c.2068G>A (p.Asp690Asn)

Gene: UNC13D (unc-13 homolog D; minus strand). Cytogenetic location: 17q25.1.
Variant type: single nucleotide variant.
Coding change: c.2068G>A on transcript NM_199242.3 (MANE Select); coding-DNA position 2068, G replaced by A.
Protein change: p.Asp690Asn; replaces aspartic acid 690 with asparagine.
Molecular consequence: missense variant.
Genome position (GRCh38, 1-based): chr17:75,834,641, C>T on the plus strand (G>A on the coding strand, the complement: UNC13D is on the minus strand). VCF-style: chr17-75834641-C-T. GRCh37 (hg19) VCF-style: chr17-73830722-C-T.
Other names: c.2068G>A (NM_199242.2); short protein forms D690N.
Identifiers: ClinVar variation 1347963 (VCV001347963.6), dbSNP rs550419919, ClinGen allele CA8772676.